The following is an entry in ClinVar:

ClinVar aggregate classification (germline): Pathogenic. Review status: criteria provided, multiple submitters, no conflicts (2 of 4 stars). 2 submissions from 2 submitters: Pathogenic (2). Last evaluated 2023-11-15.

Conditions:
Hereditary breast ovarian cancer syndrome. Also called: Hereditary breast and ovarian cancer syndrome; Hereditary breast and ovarian cancer; Hereditary breast and ovarian cancer syndrome (HBOC); Breast and ovarian cancer; Hereditary breast and/or ovarian cancer syndrome; BRCA1- and BRCA2-Associated Hereditary Breast and Ovarian Cancer. Identifiers: Orphanet 145, MedGen C0677776, MeSH D061325, MONDO:0003582. Disease mechanism: loss of function.
Hereditary cancer-predisposing syndrome. Also called: Neoplastic Syndromes, Hereditary; Tumor predisposition; Hereditary neoplastic syndrome; Hereditary Cancer Syndrome. Identifiers: Orphanet 140162, MedGen C0027672, MeSH D009386, MONDO:0015356.

Submissions (2):

Ambry Genetics
Classification: Pathogenic for Hereditary cancer-predisposing syndrome. Last evaluated: 2023-11-15. Review status: criteria provided, single submitter. Criteria: Ambry Variant Classification Scheme 2023. Collection method: clinical testing. Allele origin: germline.
Comment: The c.3440_3441delCT pathogenic mutation, located in coding exon 9 of the BRCA1 gene, results from a deletion of two nucleotides at nucleotide positions 3440 to 3441, causing a translational frameshift with a predicted alternate stop codon (p.S1147*). This alteration is expected to result in loss of function by premature protein truncation or nonsense-mediated mRNA decay. As such, this alteration is interpreted as a disease-causing mutation.

Labcorp Genetics (formerly Invitae), Labcorp
Classification: Pathogenic for Hereditary breast ovarian cancer syndrome. Last evaluated: 2023-03-31. Review status: criteria provided, single submitter. Criteria: Invitae Variant Classification Sherloc (09022015). Collection method: clinical testing. Allele origin: germline.
Comment: For these reasons, this variant has been classified as Pathogenic. ClinVar contains an entry for this variant (Variation ID: 823774). This variant has not been reported in the literature in individuals affected with BRCA1-related conditions. This variant is not present in population databases (gnomAD no frequency). This sequence change creates a premature translational stop signal (p.Ser1147*) in the BRCA1 gene. It is expected to result in an absent or disrupted protein product. Loss-of-function variants in BRCA1 are known to be pathogenic (PMID: 20104584).

Literature cited by the submitters: PubMed 20104584 (cited by Labcorp Genetics (formerly Invitae), Labcorp).

NM_007294.4(BRCA1):c.3440_3441del (p.Cys1146_Ser1147insTer)

Genes: BRCA1 (BRCA1 DNA repair associated; minus strand), LOC126862571 (BRD4-independent group 4 enhancer GRCh37_chr17:41243136-41244335; plus strand). Cytogenetic location: 17q21.31.
Variant type: Deletion.
Coding change: c.3440_3441del on transcript NM_007294.4 (MANE Select); coding-DNA positions 3440 to 3441, 2 bases deleted (CT; older notation c.3440_3441delCT).
Protein change: p.Cys1146_Ser1147insTer.
Molecular consequence: nonsense. On other transcripts: intron variant (135), frameshift variant (1).
Genome position (GRCh38, 1-based): chr17:43,092,090-43,092,091, AG deleted on the plus strand (CT on the coding strand, the reverse complement: BRCA1 is on the minus strand); deleting any 2 consecutive bases within chr17:43,092,090-43,092,092 gives the same sequence; the c. name uses the placement nearest the transcript's 3' end. VCF-style (leftmost placement, unchanged base first): chr17-43092089-CAG-C. GRCh37 (hg19) VCF-style: chr17-41244106-CAG-C.
Other names: c.662-1059_662-1058del (NM_001408446.1, NM_001408435.1, NM_001408448.1 and 6 more transcripts); c.785-1059_785-1058del (NM_001408396.1, NM_001407985.1, NM_001408401.1 and 13 more transcripts); c.665-1059_665-1058del (NM_001408438.1, NM_001408430.1, NM_001408444.1 and 12 more transcripts); c.548-1059_548-1058del (NM_001408494.1); c.3317_3318del, p.Cys1105_Ser1106insTer (NM_001407669.1, NM_001407668.1, NM_001407648.1 and 19 more transcripts); c.3314_3315del, p.Cys1104_Ser1105insTer (NM_001407671.1, NM_001407672.1, NM_001407670.1 and 11 more transcripts); c.3440_3441delCT (NM_007294.3); c.3227_3228del, p.Cys1075_Ser1076insTer (NM_001407571.1, NM_001407853.1, NM_001407894.1 and 9 more transcripts); and 42 more.
Identifiers: ClinVar variation 823774 (VCV000823774.11), dbSNP rs1597863644, ClinGen allele CA915950126.